The following is an entry in ClinVar:

NM_001805.4(CEBPE):c.145G>A (p.Gly49Arg)

Gene: CEBPE (CCAAT enhancer binding protein epsilon; minus strand). Cytogenetic location: 14q11.2.
Variant type: single nucleotide variant.
Coding change: c.145G>A on transcript NM_001805.4 (MANE Select); coding-DNA position 145, G replaced by A.
Protein change: p.Gly49Arg; replaces glycine 49 with arginine.
Molecular consequence: missense variant.
Genome position (GRCh38, 1-based): chr14:23,118,947, C>T on the plus strand (G>A on the coding strand, the complement: CEBPE is on the minus strand). VCF-style: chr14-23118947-C-T. GRCh37 (hg19) VCF-style: chr14-23588156-C-T.
Other names: c.145G>A (NM_001805.3, NM_001805.2); short protein forms G49R.
Identifiers: ClinVar variation 1507832 (VCV001507832.7), dbSNP rs1301261529, ClinGen allele CA388953786.

ClinVar aggregate classification (germline): Uncertain significance. Review status: criteria provided, multiple submitters, no conflicts (2 of 4 stars). 3 submissions from 3 submitters: Uncertain significance (3). Last evaluated 2025-12-10.

Conditions:
Inborn genetic diseases. Identifiers: MedGen C0950123, MeSH D030342.
CEBPE-related disorder. Also called: CEBPE-related condition.
Specific granule deficiency. Identifiers: Orphanet 169142, MedGen C0398593, MONDO:0009506.

Allele frequency attached by ClinVar (database versions not stated): gnomAD exomes below 0.00001 and 0.00001; gnomAD 0.00001.
gnomAD v4.1: 4 of 1,613,952 alleles (0.00025%); highest among the groups gnomAD compares: Admixed American, 0.0033%; no homozygotes.

Submissions (3):

Ambry Genetics
Classification: Uncertain significance for Inborn genetic diseases. Last evaluated: 2025-12-10. Review status: criteria provided, single submitter. Criteria: Ambry Variant Classification Scheme 2023. Collection method: clinical testing. Allele origin: germline.

PreventionGenetics, part of Exact Sciences
Classification: Uncertain significance for CEBPE-related condition. Last evaluated: 2023-07-14. Review status: criteria provided, single submitter. Criteria: ACMG Guidelines, 2015. Collection method: clinical testing. Allele origin: germline.
Comment: The CEBPE c.145G>A variant is predicted to result in the amino acid substitution p.Gly49Arg. To our knowledge, this variant has not been reported in the literature. This variant is reported in 0.0058% of alleles in individuals of Latino descent in gnomAD. At this time, the clinical significance of this variant is uncertain due to the absence of conclusive functional and genetic evidence.

Labcorp Genetics (formerly Invitae), Labcorp
Classification: Uncertain significance for Specific granule deficiency. Last evaluated: 2022-08-16. Review status: criteria provided, single submitter. Criteria: Invitae Variant Classification Sherloc (09022015). Collection method: clinical testing. Allele origin: germline.
Comment: This sequence change replaces glycine, which is neutral and non-polar, with arginine, which is basic and polar, at codon 49 of the CEBPE protein (p.Gly49Arg). This variant is present in population databases (no rsID available, gnomAD 0.006%). This variant has not been reported in the literature in individuals affected with CEBPE-related conditions. ClinVar contains an entry for this variant (Variation ID: 1507832). Algorithms developed to predict the effect of missense changes on protein structure and function (SIFT, PolyPhen-2, Align-GVGD) all suggest that this variant is likely to be disruptive. Algorithms developed to predict the effect of sequence changes on RNA splicing suggest that this variant may create or strengthen a splice site. In summary, the available evidence is currently insufficient to determine the role of this variant in disease. Therefore, it has been classified as a Variant of Uncertain Significance.